The following is an entry in ClinVar:

ClinVar aggregate classification (germline): Likely pathogenic (1 of 4 stars; one submission).

Conditions:
Fanconi anemia (FA). Also called: Fanconi's anemia. Identifiers: Orphanet 84, MedGen C0015625, MeSH D005199, MONDO:0019391.

Submission:

Labcorp Genetics (formerly Invitae), Labcorp
Classification: Likely pathogenic for Fanconi anemia. Last evaluated: 2019-03-13. Review status: criteria provided, single submitter. Criteria: Invitae Variant Classification Sherloc (09022015). Collection method: clinical testing. Allele origin: germline.
Comment: This variant results in a copy number gain of the genomic region encompassing exon 9 of the FANCM gene. While the exact position of this variant cannot be determined from this data, sub-genic copy number gains are generally in tandem (PMID: 25640679) and may result in an absent or disrupted protein product. A similar copy number gain of exon 9 has not been reported in the literature in individuals with FANCM-related conditions. Loss-of-function variants in FANCM are known to be pathogenic (PMID: 29895858, 30075111). In summary, the currently available evidence indicates that the variant is pathogenic, but additional data are needed to prove that conclusively. Therefore, this variant has been classified as Likely Pathogenic.

NC_000014.8:g.(?_45628293)_(45628489_?)dup

Gene: FANCM (FA complementation group M; plus strand). Cytogenetic location: 14q21.2.
Variant type: Duplication.
Identifiers: ClinVar variation 583634 (VCV000583634.2).